The following is an entry in ClinVar:

NM_007254.4(PNKP):c.1030-12C>A

Gene: PNKP (polynucleotide kinase 3'-phosphatase; minus strand). Cytogenetic location: 19q13.33.
Variant type: single nucleotide variant.
Coding change: c.1030-12C>A on transcript NM_007254.4 (MANE Select); 12 bases into the intron before coding-DNA position 1030, C replaced by A.
Molecular consequence: intron variant.
Genome position (GRCh38, 1-based): chr19:49,862,293, G>T on the plus strand (C>A on the coding strand, the complement: PNKP is on the minus strand). VCF-style: chr19-49862293-G-T. GRCh37 (hg19) VCF-style: chr19-50365550-G-T.
Identifiers: ClinVar variation 1992591 (VCV001992591.4), dbSNP rs746041621, ClinGen allele CA9586642.

ClinVar aggregate classification (germline): Uncertain significance (1 of 4 stars; one submission).

Conditions:
Developmental and epileptic encephalopathy, 12 (DEE12). Identifiers: MedGen C3150988, MONDO:0013389, OMIM 613722.

Allele frequency attached by ClinVar (database versions not stated): ExAC 0.00003.
gnomAD v4.1: 1 of 1,570,666 alleles (0.000064%); highest among the groups gnomAD compares: Non-Finnish European, 0.000086%; no homozygotes.

Submission:

Labcorp Genetics (formerly Invitae), Labcorp
Classification: Uncertain significance for Developmental and epileptic encephalopathy, 12. Last evaluated: 2022-06-29. Review status: criteria provided, single submitter. Criteria: Invitae Variant Classification Sherloc (09022015). Collection method: clinical testing. Allele origin: germline.
Comment: In summary, the available evidence is currently insufficient to determine the role of this variant in disease. Therefore, it has been classified as a Variant of Uncertain Significance. Algorithms developed to predict the effect of sequence changes on RNA splicing suggest that this variant may disrupt the consensus splice site. This variant has not been reported in the literature in individuals affected with PNKP-related conditions. This variant is not present in population databases (gnomAD no frequency). This sequence change falls in intron 11 of the PNKP gene. It does not directly change the encoded amino acid sequence of the PNKP protein.